The following is an entry in ClinVar:

NM_022455.5(NSD1):c.7500G>C (p.Met2500Ile)

Gene: NSD1 (nuclear receptor binding SET domain protein 1; plus strand). Cytogenetic location: 5q35.3.
Variant type: single nucleotide variant.
Coding change: c.7500G>C on transcript NM_022455.5 (MANE Select); coding-DNA position 7500, G replaced by C.
Protein change: p.Met2500Ile; replaces methionine 2500 with isoleucine.
Molecular consequence: missense variant.
Genome position (GRCh38, 1-based): chr5:177,294,868, G>C. VCF-style: chr5-177294868-G-C. GRCh37 (hg19) VCF-style: chr5-176721869-G-C.
Other names: c.6627G>C, p.Met2209Ile (NM_001365684.2, NM_001409308.1, NM_172349.5); c.7500G>C, p.Met2500Ile (NM_001409301.1, NM_001409302.1, NM_001409303.1); c.7080G>C, p.Met2360Ile (NM_001409304.1); c.6747G>C, p.Met2249Ile (NM_001409305.1); c.6738G>C, p.Met2246Ile (NM_001409306.1, NM_001409307.1); c.6378G>C, p.Met2126Ile (NM_001409309.1); short protein forms M2500I, M2231I, M2360I, M2126I, M2209I, M2249I, M2246I.
Identifiers: ClinVar variation 382562 (VCV000382562.18), dbSNP rs770120153, ClinGen allele CA3578145.

ClinVar aggregate classification (germline): Conflicting classifications of pathogenicity. Review status: criteria provided, conflicting classifications (1 of 4 stars). 4 submissions from 4 submitters: Uncertain significance (1); Likely benign (3). Last evaluated 2025-12-01.

Conditions:
Sotos syndrome (SOTOS). Also called: Distinctive facial appearance, overgrowth in childhood, and learning disabilities or delayed development; SOTOS SYNDROME 1; CHROMOSOME 5q35 DELETION SYNDROME; CEREBRAL GIGANTISM; Sotos' syndrome. Identifiers: Orphanet 821, MedGen C0175695, MONDO:0019349, OMIM 117550.

Allele frequency attached by ClinVar (database versions not stated): gnomAD 0.00003; gnomAD exomes 0.00006; TOPMed 0.00006; ExAC 0.00003.
gnomAD v4.1: 144 of 1,613,170 alleles (0.0089%); highest among the groups gnomAD compares: Non-Finnish European, 0.011%; no homozygotes.

Submissions (4):

CeGaT Center for Human Genetics Tuebingen
Classification: Likely benign. Last evaluated: 2025-12-01. Review status: criteria provided, single submitter. Criteria: CeGaT Center For Human Genetics Tuebingen Variant Classification Criteria Version 2. Collection method: clinical testing. Allele origin: germline. Affected: yes. Observed: 1 variant allele.
Comment: NSD1: BP4, BS2

Labcorp Genetics (formerly Invitae), Labcorp
Classification: Likely benign. Last evaluated: 2025-05-19. Review status: criteria provided, single submitter. Criteria: Invitae Variant Classification Sherloc (09022015). Collection method: clinical testing. Allele origin: germline.

Genome-Nilou Lab
Classification: Uncertain significance for Sotos syndrome. Last evaluated: 2021-07-15. Review status: criteria provided, single submitter. Criteria: ACMG Guidelines, 2015. Collection method: clinical testing. Allele origin: germline. Affected: no.

GeneDx
Classification: Likely benign. Last evaluated: 2016-01-18. Review status: criteria provided, single submitter. Criteria: GeneDx Variant Classification (06012015). Collection method: clinical testing. Allele origin: germline. Affected: yes.
Comment: This variant is considered likely benign or benign based on one or more of the following criteria: it is a conservative change, it occurs at a poorly conserved position in the protein, it is predicted to be benign by multiple in silico algorithms, and/or has population frequency not consistent with disease.